The following is an entry in ClinVar:

ClinVar aggregate classification (germline): Uncertain significance (1 of 4 stars; one submission).

Submission:

GeneDx
Classification: Uncertain significance. Last evaluated: 2022-04-14. Review status: criteria provided, single submitter. Criteria: GeneDx Variant Classification Process June 2021. Collection method: clinical testing. Allele origin: germline. Affected: yes.
Comment: Not observed at significant frequency in large population cohorts (gnomAD); In silico analysis supports that this missense variant has a deleterious effect on protein structure/function; Has not been previously published as pathogenic or benign to our knowledge

NM_006618.5(KDM5B):c.1535A>C (p.His512Pro)

Gene: KDM5B (lysine demethylase 5B; minus strand). Cytogenetic location: 1q32.1.
Variant type: single nucleotide variant.
Coding change: c.1535A>C on transcript NM_006618.5 (MANE Select); coding-DNA position 1535, A replaced by C.
Protein change: p.His512Pro; replaces histidine 512 with proline.
Molecular consequence: missense variant.
Genome position (GRCh38, 1-based): chr1:202,755,274, T>G on the plus strand (A>C on the coding strand, the complement: KDM5B is on the minus strand). VCF-style: chr1-202755274-T-G. GRCh37 (hg19) VCF-style: chr1-202724402-T-G.
Other names: c.1643A>C, p.His548Pro (NM_001314042.2); c.1400A>C, p.His467Pro (NM_001347591.2); c.1520A>C, p.His507Pro (NM_001399817.1); short protein forms H467P, H507P, H512P, H548P.
Identifiers: ClinVar variation 1710540 (VCV001710540.2), dbSNP rs1655962217, ClinGen allele CA344270410.